The following is an entry in ClinVar:

NM_000392.5(ABCC2):c.3614+1G>A

Gene: ABCC2 (ATP binding cassette subfamily C member 2; plus strand). Cytogenetic location: 10q24.2.
Variant type: single nucleotide variant.
Coding change: c.3614+1G>A on transcript NM_000392.5 (MANE Select); the canonical splice donor site of the intron after coding-DNA position 3614, G replaced by A.
Molecular consequence: splice donor variant.
Genome position (GRCh38, 1-based): chr10:99,836,291, G>A. VCF-style: chr10-99836291-G-A. GRCh37 (hg19) VCF-style: chr10-101596048-G-A.
Identifiers: ClinVar variation 2709139 (VCV002709139.3), dbSNP rs2133124899, ClinGen allele CA378125272.
Genomic context (GRCh38, chr10:99,836,291, plus strand): 5'-CAATGAGGTGAGGATTGACACCAACCAGAAATGTGTCTTTTCCTGGATCACCTCCAACAG[G>A]TGAGGCTTCCCCTGGGTATTTACCCATGTGTGTACTTTGGGGTTCTATATGTTTGATATT-3'

ClinVar aggregate classification (germline): Likely pathogenic (1 of 4 stars; one submission).

Submission:

Labcorp Genetics (formerly Invitae), Labcorp
Classification: Likely pathogenic. Last evaluated: 2024-01-12. Review status: criteria provided, single submitter. Criteria: Invitae Variant Classification Sherloc (09022015). Collection method: clinical testing. Allele origin: germline.
Comment: This sequence change affects a donor splice site in intron 25 of the ABCC2 gene. It is expected to disrupt RNA splicing. Variants that disrupt the donor or acceptor splice site typically lead to a loss of protein function (PMID: 16199547), and loss-of-function variants in ABCC2 are known to be pathogenic (PMID: 9185779, 16549534, 16952291). This variant is not present in population databases (gnomAD no frequency). This variant has not been reported in the literature in individuals affected with ABCC2-related conditions. Algorithms developed to predict the effect of sequence changes on RNA splicing suggest that this variant may disrupt the consensus splice site. In summary, the currently available evidence indicates that the variant is pathogenic, but additional data are needed to prove that conclusively. Therefore, this variant has been classified as Likely Pathogenic.

Literature cited by the submitters: PubMed 16199547; PubMed 9185779; PubMed 16549534; PubMed 16952291.